The following is an entry in ClinVar:

NM_020549.5(CHAT):c.1909G>T (p.Glu637Ter)

Gene: CHAT (choline O-acetyltransferase; plus strand). Cytogenetic location: 10q11.23.
Variant type: single nucleotide variant.
Coding change: c.1909G>T on transcript NM_020549.5 (MANE Select); coding-DNA position 1909, G replaced by T.
Protein change: p.Glu637Ter; replaces glutamic acid 637 with a stop codon.
Molecular consequence: nonsense.
Genome position (GRCh38, 1-based): chr10:49,662,714, G>T. VCF-style: chr10-49662714-G-T. GRCh37 (hg19) VCF-style: chr10-50870760-G-T.
Other names: c.1555G>T, p.Glu519Ter (NM_001142929.2, NM_001142934.2, NM_020984.4 and 2 more transcripts); c.1663G>T, p.Glu555Ter (NM_001142933.2); short protein forms E519*, E555*, E637*.
Identifiers: ClinVar variation 1073926 (VCV001073926.7), dbSNP rs777684375, ClinGen allele CA376711559.

ClinVar aggregate classification (germline): Pathogenic (1 of 4 stars; one submission).

Conditions:
Familial infantile myasthenia (CMS6). Also called: Congenital myasthenic syndrome type 6; MYASTHENIC SYNDROME, PRESYNAPTIC, CONGENITAL, ASSOCIATED WITH EPISODIC APNEA; MYASTHENIC SYNDROME, CONGENITAL, 6, PRESYNAPTIC. Identifiers: Orphanet 590, MedGen C0393929, MONDO:0009689, OMIM 254210.

Submission:

Labcorp Genetics (formerly Invitae), Labcorp
Classification: Pathogenic for Familial infantile myasthenia. Last evaluated: 2020-08-11. Review status: criteria provided, single submitter. Criteria: Invitae Variant Classification Sherloc (09022015). Collection method: clinical testing. Allele origin: germline.
Comment: For these reasons, this variant has been classified as Pathogenic. Loss-of-function variants in CHAT are known to be pathogenic (PMID: 12548525, 21786365, 23292760). Algorithms developed to predict the effect of sequence changes on RNA splicing suggest that this variant may create or strengthen a splice site, but this prediction has not been confirmed by published transcriptional studies. This variant has not been reported in the literature in individuals with CHAT-related conditions. This variant is not present in population databases (ExAC no frequency). This sequence change creates a premature translational stop signal (p.Glu637*) in the CHAT gene. It is expected to result in an absent or disrupted protein product.

Literature cited by the submitters: PubMed 12548525; PubMed 21786365; PubMed 23292760.